The following is an entry in ClinVar:

NM_018180.3(DHX32):c.1706dup (p.Trp570fs)

Genes: BCCIP (BRCA2 and CDKN1A interacting protein; plus strand), DHX32 (DEAH-box helicase 32 (putative); minus strand). Cytogenetic location: 10q26.2.
Variant type: Duplication.
Coding change: c.1706dup on transcript NM_018180.3 (MANE Select); coding-DNA position 1706, one base duplicated (A; older notation c.1706dupA).
Protein change: p.Trp570fs; shifts the reading frame from tryptophan 570.
Molecular consequence: frameshift variant. On other transcripts: intron variant (2).
Genome position (GRCh38, 1-based): chr10:125,839,176, T duplicated on the plus strand (A on the coding strand, the reverse complement: DHX32 is on the minus strand); the first of 4 consecutive T bases (chr10:125,839,176-125,839,179); duplicating any one gives the same sequence. VCF-style (leftmost placement, unchanged base first): chr10-125839175-C-CT. GRCh37 (hg19) VCF-style: chr10-127527744-C-CT.
Other names: c.775-2076dup (NM_016567.4, NM_078469.3); short protein forms W570fs.
Identifiers: ClinVar variation 4730272 (VCV004730272.1).

ClinVar aggregate classification (germline): Uncertain significance (1 of 4 stars; one submission).

Submission:

Labcorp Genetics (formerly Invitae), Labcorp
Classification: Uncertain significance. Last evaluated: 2025-11-03. Review status: criteria provided, single submitter. Criteria: Invitae Variant Classification Sherloc (09022015). Collection method: clinical testing. Allele origin: germline.
Comment: This sequence change creates a premature translational stop signal (p.Trp570Valfs*4) in the DHX32 gene. It is expected to result in an absent or disrupted protein product. However, the current clinical and genetic evidence is not sufficient to establish whether loss-of-function variants in DHX32 cause disease. This variant is not present in population databases (gnomAD no frequency). This variant has not been reported in the literature in individuals affected with DHX32-related conditions. In summary, the available evidence is currently insufficient to determine the role of this variant in disease. Therefore, it has been classified as a Variant of Uncertain Significance.